The following is an entry in ClinVar:

NM_020911.2(PLXNA4):c.2139C>T (p.Pro713=)

Gene: PLXNA4 (plexin A4; minus strand). Cytogenetic location: 7q32.3.
Variant type: single nucleotide variant.
Coding change: c.2139C>T on transcript NM_020911.2 (MANE Select); coding-DNA position 2139, C replaced by T.
Protein change: p.Pro713=; no amino-acid change (proline 713 retained).
Molecular consequence: synonymous variant.
Genome position (GRCh38, 1-based): chr7:132,211,102, G>A on the plus strand (C>T on the coding strand, the complement: PLXNA4 is on the minus strand). VCF-style: chr7-132211102-G-A. GRCh37 (hg19) VCF-style: chr7-131895861-G-A.
Other names: c.2139C>T, p.Pro713= (NM_001393897.1).
Identifiers: ClinVar variation 3036345 (VCV003036345.2), dbSNP rs369845177, ClinGen allele CA4489883.

ClinVar aggregate classification (germline): Likely benign (0 of 4 stars; one submission).

Conditions:
PLXNA4-related disorder. Also called: PLXNA4-related condition.

gnomAD v4.1: 57 of 1,580,242 alleles (0.0036%); highest among the groups gnomAD compares: Admixed American, 0.0055%; no homozygotes.

Submission:

PreventionGenetics, part of Exact Sciences
Classification: Likely benign for PLXNA4-related condition. Last evaluated: 2021-06-21. Review status: no assertion criteria provided. Collection method: clinical testing. Allele origin: germline.
Comment: This variant is classified as likely benign based on ACMG/AMP sequence variant interpretation guidelines (Richards et al. 2015 PMID: 25741868, with internal and published modifications).